The following is an entry in ClinVar:

ClinVar aggregate classification (germline): Uncertain significance (1 of 4 stars; one submission).

Conditions:
Ehlers-Danlos syndrome, classic type (cEDS). Identifiers: Orphanet 287, MedGen C4225429, MONDO:0007522.

gnomAD v4.1: 1 of 1,613,622 alleles (0.000062%); highest among the groups gnomAD compares: Non-Finnish European, 0.000085%; no homozygotes.

Submission:

Labcorp Genetics (formerly Invitae), Labcorp
Classification: Uncertain significance for Ehlers-Danlos syndrome, type 1. Last evaluated: 2019-02-15. Review status: criteria provided, single submitter. Criteria: Invitae Variant Classification Sherloc (09022015). Collection method: clinical testing. Allele origin: germline.
Comment: This sequence change replaces glycine with arginine at codon 1035 of the COL5A2 protein (p.Gly1035Arg). The glycine residue is highly conserved and there is a moderate physicochemical difference between glycine and arginine. This variant is not present in population databases (ExAC no frequency). This variant has not been reported in the literature in individuals with COL5A2-related conditions. Algorithms developed to predict the effect of missense changes on protein structure and function are either unavailable or do not agree on the potential impact of this missense change (SIFT: "Tolerated"; PolyPhen-2: "Not Available"; Align-GVGD: "Class C0"). In summary, the available evidence is currently insufficient to determine the role of this variant in disease. Therefore, it has been classified as a Variant of Uncertain Significance.

NM_000393.5(COL5A2):c.3103G>A (p.Gly1035Arg)

Gene: COL5A2 (collagen type V alpha 2 chain; minus strand). Cytogenetic location: 2q32.2.
Variant type: single nucleotide variant.
Coding change: c.3103G>A on transcript NM_000393.5 (MANE Select); coding-DNA position 3103, G replaced by A.
Protein change: p.Gly1035Arg; replaces glycine 1035 with arginine.
Molecular consequence: missense variant.
Genome position (GRCh38, 1-based): chr2:189,049,391, C>T on the plus strand (G>A on the coding strand, the complement: COL5A2 is on the minus strand). VCF-style: chr2-189049391-C-T. GRCh37 (hg19) VCF-style: chr2-189914117-C-T.
Other names: short protein forms G1035R.
Identifiers: ClinVar variation 857720 (VCV000857720.3), dbSNP rs1685735868, ClinGen allele CA349865507.